The following is an entry in ClinVar:

NM_001308093.3(GATA4):c.1206G>C (p.Ser402=)

Gene: GATA4 (GATA binding protein 4). Cytogenetic location: 8p23.1.
Variant type: single nucleotide variant.
Coding change: c.1206G>C on transcript NM_001308093.3 (MANE Select); coding-DNA position 1206, G replaced by C.
Protein change: p.Ser402=; no amino-acid change (serine 402 retained).
Molecular consequence: synonymous variant.
Genome position (GRCh38, 1-based): chr8:11,758,349, G>C. VCF-style: chr8-11758349-G-C. GRCh37 (hg19) VCF-style: chr8-11615858-G-C.
Other names: c.585G>C, p.Ser195= (NM_001308094.2, NM_001374273.1); c.459G>C, p.Ser153= (NM_001374274.1); c.1203G>C, p.Ser401= (NM_002052.5).
Identifiers: ClinVar variation 3028970 (VCV003028970.2), dbSNP rs141909277, ClinGen allele CA459314087.

ClinVar aggregate classification (germline): Likely benign (0 of 4 stars; one submission).

Conditions:
GATA4-related disorder. Also called: GATA4-related condition. Identifiers: MedGen CN860321.

gnomAD v4.1: 3 of 1,614,122 alleles (0.00019%); highest among the groups gnomAD compares: Non-Finnish European, 0.00025%; no homozygotes.

Submission:

PreventionGenetics, part of Exact Sciences
Classification: Likely benign for GATA4-related condition. Last evaluated: 2021-10-15. Review status: no assertion criteria provided. Collection method: clinical testing. Allele origin: germline.
Comment: This variant is classified as likely benign based on ACMG/AMP sequence variant interpretation guidelines (Richards et al. 2015 PMID: 25741868, with internal and published modifications).